The following is an entry in ClinVar:

ClinVar aggregate classification (germline): Conflicting classifications of pathogenicity. Review status: criteria provided, conflicting classifications (1 of 4 stars). 3 submissions from 3 submitters: Uncertain significance (2); Likely benign (1). Last evaluated 2023-03-27.

Conditions:
Hereditary cancer-predisposing syndrome. Also called: Hereditary Cancer Syndrome; Neoplastic Syndromes, Hereditary; Tumor predisposition; Hereditary neoplastic syndrome. Identifiers: Orphanet 140162, MedGen C0027672, MeSH D009386, MONDO:0015356.

Submissions (3):

Quest Diagnostics Nichols Institute San Juan Capistrano
Classification: Uncertain significance. Last evaluated: 2023-03-27. Review status: criteria provided, single submitter. Criteria: Quest Diagnostics criteria. Collection method: clinical testing. Allele origin: unknown.
Comment: It has not been reported in large, multi-ethnic general populations. In the published literature, this variant was classified using Bayesian approaches (PMID: 31911673 (2020)). Analysis of this variant using bioinformatics tools for the prediction of the effect of amino acid changes on protein structure and function yielded conflicting predictions that this variant is benign or damaging. Based on the available information, we are unable to determine the clinical significance of this variant.

University of Washington Department of Laboratory Medicine, University of Washington
Classification: Likely benign for Hereditary cancer-predisposing syndrome. Last evaluated: 2023-03-23. Review status: criteria provided, single submitter. Criteria: Dines et al. (Genet Med. 2020). Collection method: curation. Allele origin: germline.
Comment: Missense variant in a coldspot region where missense variants are very unlikely to be pathogenic (PMID:31911673).

BRCA2 exon 11 coldspot. Reclassification based on statistical prior probability.

Ambry Genetics
Classification: Uncertain significance for Hereditary cancer-predisposing syndrome. Last evaluated: 2017-06-23. Review status: criteria provided, single submitter. Criteria: Ambry Variant Classification Scheme 2023. Collection method: clinical testing. Allele origin: germline.
Comment: The p.E1036V variant (also known as c.3107A>T), located in coding exon 10 of the BRCA2 gene, results from an A to T substitution at nucleotide position 3107. The glutamic acid at codon 1036 is replaced by valine, an amino acid with dissimilar properties. This amino acid position is well conserved in available vertebrate species. In addition, the in silico prediction for this alteration is inconclusive. Since supporting evidence is limited at this time, the clinical significance of this alteration remains unclear.

Literature cited by the submitters: PubMed 31911673 (cited by Quest Diagnostics Nichols Institute San Juan Capistrano).

NM_000059.4(BRCA2):c.3107A>T (p.Glu1036Val)

Gene: BRCA2 (BRCA2 DNA repair associated; plus strand). Cytogenetic location: 13q13.1.
Variant type: single nucleotide variant.
Coding change: c.3107A>T on transcript NM_000059.4 (MANE Select); coding-DNA position 3107, A replaced by T.
Protein change: p.Glu1036Val; replaces glutamic acid 1036 with valine.
Molecular consequence: missense variant.
Genome position (GRCh38, 1-based): chr13:32,337,462, A>T. VCF-style: chr13-32337462-A-T. GRCh37 (hg19) VCF-style: chr13-32911599-A-T.
Other names: short protein forms E1036V.
Identifiers: ClinVar variation 481163 (VCV000481163.8), dbSNP rs1555283053, ClinGen allele CA387775387.